The following is an entry in ClinVar:

NM_003072.5(SMARCA4):c.2247G>C (p.Met749Ile)

Gene: SMARCA4 (SWI/SNF related BAF chromatin remodeling complex subunit ATPase 4; plus strand). Cytogenetic location: 19p13.2.
Variant type: single nucleotide variant.
Coding change: c.2247G>C on transcript NM_003072.5 (MANE Select); coding-DNA position 2247, G replaced by C.
Protein change: p.Met749Ile; replaces methionine 749 with isoleucine.
Molecular consequence: missense variant. On other transcripts: non-coding transcript variant (1).
Genome position (GRCh38, 1-based): chr19:11,010,504, G>C. VCF-style: chr19-11010504-G-C. GRCh37 (hg19) VCF-style: chr19-11121180-G-C.
Other names: c.2247G>C, p.Met749Ile (NM_001128844.3, NM_001128845.2, NM_001128846.2 and 5 more transcripts); short protein forms M749I.
Identifiers: ClinVar variation 1057194 (VCV001057194.9), dbSNP rs2088721594, ClinGen allele CA404052920.

ClinVar aggregate classification (germline): Uncertain significance (1 of 4 stars; one submission).

Conditions:
Rhabdoid tumor predisposition syndrome 2 (RTPS2). Identifiers: Orphanet 231108, Orphanet 69077, MedGen C2750074, MONDO:0013224, OMIM 613325.

Allele frequency attached by ClinVar (database versions not stated): TOPMed below 0.00001.

Submission:

Labcorp Genetics (formerly Invitae), Labcorp
Classification: Uncertain significance for Rhabdoid tumor predisposition syndrome 2. Last evaluated: 2020-02-03. Review status: criteria provided, single submitter. Criteria: Invitae Variant Classification Sherloc (09022015). Collection method: clinical testing. Allele origin: germline.
Comment: In summary, the available evidence is currently insufficient to determine the role of this variant in disease. Therefore, it has been classified as a Variant of Uncertain Significance. Algorithms developed to predict the effect of missense changes on protein structure and function (SIFT, PolyPhen-2, Align-GVGD) all suggest that this variant is likely to be tolerated, but these predictions have not been confirmed by published functional studies and their clinical significance is uncertain. This variant has not been reported in the literature in individuals with SMARCA4-related conditions. This variant is not present in population databases (ExAC no frequency). This sequence change replaces methionine with isoleucine at codon 749 of the SMARCA4 protein (p.Met749Ile). The methionine residue is moderately conserved and there is a small physicochemical difference between methionine and isoleucine.